The following is an entry in ClinVar:

ClinVar aggregate classification (germline): Uncertain significance (1 of 4 stars; one submission).

Conditions:
Cone-rod dystrophy 3 (CORD3). Identifiers: Orphanet 1872, MedGen C1858806, MONDO:0011395, OMIM 604116.
Retinitis pigmentosa 19 (RP19). Also called: ABCA4-Related Retinitis Pigmentosa. Identifiers: Orphanet 791, MedGen C1866422, MONDO:0011137, OMIM 601718.
Age related macular degeneration 2. Also called: MACULAR DEGENERATION, SENILE; MACULOPATHY, AGE-RELATED, 2; MACULOPATHY, AGE-RELATED. Identifiers: MedGen C3495438, MONDO:0007932, OMIM 153800.
Severe early-childhood-onset retinal dystrophy (STGD1). Also called: Stargardt macular dystrophy; Juvenile onset macular degeneration; Stargardt disease 1; MACULAR DYSTROPHY WITH FLECKS, TYPE 1; STGD. Identifiers: Orphanet 364055, Orphanet 827, MedGen C1855465, MeSH D000080362, MONDO:0009549, OMIM 248200.

Submission:

Juno Genomics, Hangzhou Juno Genomics, Inc
Classification: Uncertain significance for Age related macular degeneration 2; Cone-rod dystrophy 3; Severe early-childhood-onset retinal dystrophy; Retinitis pigmentosa 19. Review status: criteria provided, single submitter. Criteria: ACMG Guidelines, 2015. Collection method: clinical testing. Allele origin: germline.
Comment: Absent from controls (or at extremely low frequency if recessive) in Genome Aggregation Database.;Multiple lines of computational evidence support a deleterious effect on the gene or gene product.

NM_000350.3(ABCA4):c.1753A>C (p.Lys585Gln)

Gene: ABCA4 (ATP binding cassette subfamily A member 4; minus strand). Cytogenetic location: 1p22.1.
Variant type: single nucleotide variant.
Coding change: c.1753A>C on transcript NM_000350.3 (MANE Select); coding-DNA position 1753, A replaced by C.
Protein change: p.Lys585Gln; replaces lysine 585 with glutamine.
Molecular consequence: missense variant.
Genome position (GRCh38, 1-based): chr1:94,063,119, T>G on the plus strand (A>C on the coding strand, the complement: ABCA4 is on the minus strand). VCF-style: chr1-94063119-T-G. GRCh37 (hg19) VCF-style: chr1-94528675-T-G.
Other names: c.1753A>C, p.Lys585Gln (NM_001425324.1); short protein forms K585Q.
Identifiers: ClinVar variation 5007294 (VCV005007294.2).